The following is an entry in ClinVar:

NM_018972.4(GDAP1):c.818G>A (p.Arg273Gln)

Gene: GDAP1 (ganglioside induced differentiation associated protein 1; plus strand). Cytogenetic location: 8q21.11.
Variant type: single nucleotide variant.
Coding change: c.818G>A on transcript NM_018972.4 (MANE Select); coding-DNA position 818, G replaced by A.
Protein change: p.Arg273Gln; replaces arginine 273 with glutamine.
Molecular consequence: missense variant. On other transcripts: intron variant (1).
Genome position (GRCh38, 1-based): chr8:74,364,108, G>A. VCF-style: chr8-74364108-G-A. GRCh37 (hg19) VCF-style: chr8-75276343-G-A.
Other names: p.(Arg273Gln); c.614G>A, p.Arg205Gln (NM_001040875.4); c.491G>A, p.Arg164Gln (NM_001362929.2, NM_001362932.2); c.644G>A, p.Arg215Gln (NM_001362930.2); c.694+1055G>A (NM_001362931.2); short protein forms R273Q, R215Q, R164Q, R205Q.
Identifiers: ClinVar variation 246285 (VCV000246285.58), dbSNP rs879254192, ClinGen allele CA10584294.

ClinVar aggregate classification (germline): Conflicting classifications of pathogenicity. Review status: criteria provided, conflicting classifications (1 of 4 stars). 7 submissions from 7 submitters: Likely pathogenic (4); Uncertain significance (3). Last evaluated 2025-12-30.

Conditions:
Charcot-Marie-Tooth disease recessive intermediate A (CMTRIA). Also called: CHARCOT-MARIE-TOOTH NEUROPATHY, RECESSIVE INTERMEDIATE A. Identifiers: Orphanet 217055, MedGen C1842197, MONDO:0012014, OMIM 608340.
Charcot-Marie-Tooth disease type 4A. Also called: Charcot-Marie-Tooth disease, demyelinating, autosomal recessive, type 4a. Identifiers: Orphanet 99948, MedGen C1859198, MONDO:0008961, OMIM 214400.
Charcot-Marie-Tooth disease axonal type 2K (CMT2K). Also called: CHARCOT-MARIE-TOOTH DISEASE, AXONAL, AUTOSOMAL RECESSIVE, TYPE 2K; CHARCOT-MARIE-TOOTH NEUROPATHY, AXONAL, TYPE 2K; Charcot-Marie-Tooth disease type 2K. Identifiers: Orphanet 101097, Orphanet 99944, MedGen C1842983, MONDO:0011916, OMIM 607831.
Charcot-Marie-Tooth disease, axonal, with vocal cord paresis, autosomal recessive. Also called: CHARCOT-MARIE-TOOTH DISEASE, TYPE 4A, AXONAL FORM; CHARCOT-MARIE-TOOTH NEUROPATHY, AXONAL, WITH VOCAL CORD PARESIS, AUTOSOMAL RECESSIVE; CMT2 WITH VOCAL CORD PARESIS, AUTOSOMAL RECESSIVE. Identifiers: Orphanet 101097, MedGen C1843183, MONDO:0011898, OMIM 607706.

Allele frequency attached by ClinVar (database versions not stated): gnomAD exomes below 0.00001 and 0.00001; TOPMed 0.00001.
gnomAD v4.1: 17 of 1,614,132 alleles (0.0011%); highest among the groups gnomAD compares: Non-Finnish European, 0.0013%; no homozygotes.

Submissions (7):

Department of Molecular Genetics, Istishari Arab Hospital
Classification: Likely pathogenic for Charcot-Marie-Tooth disease axonal type 2K. Last evaluated: 2025-12-30. Review status: criteria provided, single submitter. Criteria: ACMG Guidelines, 2015. Collection method: clinical testing. Allele origin: germline. Inheritance: Autosomal recessive inheritance. Affected: yes.
Comment: The GDAP1 variant c.818G>A p.(Arg273Gln) causes an amino acid change from Arg to Gln at position 273 in exon no. 6 (of 6). This variant has previously been described as disease-causing in patients with GDAP1-related disorders (PMID: 35531120). Other variants that disrupt this residue have been observed in individuals with GDAP1-related conditions (PMID: 20232219). It is classified as likely pathogenic based on the implementation of the ACMG/AMP guidelines.

Athena Diagnostics
Classification: Uncertain significance. Last evaluated: 2024-12-09. Review status: criteria provided, single submitter. Criteria: Athena Diagnostics Criteria. Collection method: clinical testing. Allele origin: unknown.
Comment: Available data are insufficient to determine the clinical significance of the variant at this time. The frequency of this variant in the general population is uninformative in assessment of its pathogenicity. This variant has been identified in at least one homozygous individual with CMT. Polyphen and MutationTaster predict this amino acid change may be damaging to the protein.

Labcorp Genetics (formerly Invitae), Labcorp
Classification: Likely pathogenic for Charcot-Marie-Tooth disease type 4A. Last evaluated: 2024-09-01. Review status: criteria provided, single submitter. Criteria: Invitae Variant Classification Sherloc (09022015). Collection method: clinical testing. Allele origin: germline.
Comment: This sequence change replaces arginine, which is basic and polar, with glutamine, which is neutral and polar, at codon 273 of the GDAP1 protein (p.Arg273Gln). This variant is present in population databases (no rsID available, gnomAD 0.003%). This missense change has been observed in individual(s) with tremor or clinical features of autosomal recessive Charcot-Marie-Tooth disease (PMID: 35531120; internal data). In at least one individual the data is consistent with being in trans (on the opposite chromosome) from a pathogenic variant. ClinVar contains an entry for this variant (Variation ID: 246285). Invitae Evidence Modeling of protein sequence and biophysical properties (such as structural, functional, and spatial information, amino acid conservation, physicochemical variation, residue mobility, and thermodynamic stability) indicates that this missense variant is expected to disrupt GDAP1 protein function with a positive predictive value of 80%. This variant disrupts the p.Arg273 amino acid residue in GDAP1. Other variant(s) that disrupt this residue have been observed in individuals with GDAP1-related conditions (PMID: 20232219), which suggests that this may be a clinically significant amino acid residue. In summary, the currently available evidence indicates that the variant is pathogenic, but additional data are needed to prove that conclusively. Therefore, this variant has been classified as Likely Pathogenic.

Women's Health and Genetics/Laboratory Corporation of America, LabCorp
Classification: Uncertain significance. Last evaluated: 2024-03-15. Review status: criteria provided, single submitter. Criteria: LabCorp Variant Classification Summary - May 2015. Collection method: clinical testing. Allele origin: germline.
Comment: Variant summary: GDAP1 c.818G>A (p.Arg273Gln) results in a conservative amino acid change located in the Glutathione S-transferase, C-terminal-like domain of the encoded protein sequence. Four of five in-silico tools predict a damaging effect of the variant on protein function. The variant allele was found at a frequency of 4e-06 in 251478 control chromosomes. The available data on variant occurrences in the general population are insufficient to allow any conclusion about variant significance. c.818G>A has been reported in the literature in an individual with tremor who carried the variant in the homozygous state (Vernetti_GDAP1_Tremor_2022). This report does not provide unequivocal conclusions about association of the variant with Charcot-Marie Disease Type 4A. To our knowledge, no experimental evidence demonstrating an impact on protein function has been reported. The following publications have been ascertained in the context of this evaluation (PMID: 24627108, 35531120). ClinVar contains an entry for this variant (Variation ID: 246285). Based on the evidence outlined above, the variant was classified as uncertain significance.

Fulgent Genetics
Classification: Likely pathogenic for Charcot-Marie-Tooth disease type 4A; Charcot-Marie-Tooth disease, axonal, with vocal cord paresis, autosomal recessive; Charcot-Marie-Tooth disease axonal type 2K; Charcot-Marie-Tooth disease recessive intermediate A. Last evaluated: 2024-03-13. Review status: criteria provided, single submitter. Criteria: ACMG Guidelines, 2015. Collection method: clinical testing. Allele origin: germline.

CeGaT Center for Human Genetics Tuebingen
Classification: Uncertain significance. Last evaluated: 2016-11-01. Review status: criteria provided, single submitter. Criteria: CeGaT Center For Human Genetics Tuebingen Variant Classification Criteria Version 2. Collection method: clinical testing. Allele origin: germline. Affected: yes. Observed: 1 variant allele.

GeneDx
Classification: Likely pathogenic. Last evaluated: 2016-01-11. Review status: criteria provided, single submitter. Criteria: GeneDx Variant Classification (06012015). Collection method: clinical testing. Allele origin: germline. Affected: yes.
Comment: The R273Q variant has not been published as a pathogenic variant, nor has it been reported as a benign variant to our knowledge. However, a different amino acid substitution at the same position (R273G) has been previously reported in a patient with CMT4C who had another variant on the opposite allele (Kabzinska et al., 2010). R273Q was not observed in approximately 6,500 individuals of European and African American ancestry in the NHLBI Exome Sequencing Project, indicating it is not a common benign variant in these populations. The R273Q variant is a semi-conservative amino acid substitution, which may impact secondary protein structure as these residues differ in some properties. This substitution occurs at a position that is conserved across species, and in silico analysis predicts this variant is probably damaging to the protein structure/function. Therefore, this variant is likely pathogenic; however, the possibility that it is benign cannot be excluded.

Literature cited by the submitters: PubMed 35531120 (cited by 4 submitters); PubMed 20232219 (cited by Department of Molecular Genetics, Istishari Arab Hospital and Labcorp Genetics (formerly Invitae), Labcorp); PubMed 24627108 (cited by Athena Diagnostics and Women's Health and Genetics/Laboratory Corporation of America, LabCorp); PubMed 32305867 (cited by Athena Diagnostics).